The following is an entry in ClinVar:

ClinVar aggregate classification (germline): Uncertain significance (1 of 4 stars; one submission).

Conditions:
Inborn genetic diseases. Identifiers: MedGen C0950123, MeSH D030342.

Submission:

Ambry Genetics
Classification: Uncertain significance for Inborn genetic diseases. Last evaluated: 2024-12-02. Review status: criteria provided, single submitter. Criteria: Ambry Variant Classification Scheme 2023. Collection method: clinical testing. Allele origin: germline.
Comment: The c.2403G>T (p.M801I) alteration is located in exon 16 (coding exon 15) of the CHD4 gene. This alteration results from a G to T substitution at nucleotide position 2403, causing the methionine (M) at amino acid position 801 to be replaced by an isoleucine (I). This variant was not reported in population-based cohorts in the Genome Aggregation Database (gnomAD). This amino acid position is highly conserved in available vertebrate species. This missense alteration is located in a region that has a low rate of benign missense variation (Lek, 2016; Firth, 2009). This alteration is predicted to be deleterious by in silico analysis. Based on insufficient or conflicting evidence, the clinical significance of this alteration remains unclear.

NM_001273.5(CHD4):c.2403G>T (p.Met801Ile)

Gene: CHD4 (chromodomain helicase DNA binding protein 4; minus strand). Cytogenetic location: 12p13.31.
Variant type: single nucleotide variant.
Coding change: c.2403G>T on transcript NM_001273.5 (MANE Select); coding-DNA position 2403, G replaced by T.
Protein change: p.Met801Ile; replaces methionine 801 with isoleucine.
Molecular consequence: missense variant.
Genome position (GRCh38, 1-based): chr12:6,593,527, C>A on the plus strand (G>T on the coding strand, the complement: CHD4 is on the minus strand). VCF-style: chr12-6593527-C-A. GRCh37 (hg19) VCF-style: chr12-6702693-C-A.
Other names: c.2382G>T, p.Met794Ile (NM_001297553.2); c.2364G>T, p.Met788Ile (NM_001363606.2); short protein forms M794I, M788I, M801I.
Identifiers: ClinVar variation 3491979 (VCV003491979.1).